The following is an entry in ClinVar:

NM_004006.3(DMD):c.10513dup (p.Glu3505fs)

Gene: DMD (dystrophin; minus strand). Cytogenetic location: Xp21.2.
Variant type: Duplication.
Coding change: c.10513dup on transcript NM_004006.3 (MANE Select); coding-DNA position 10513, one base duplicated (G; older notation c.10513dupG).
Protein change: p.Glu3505fs; shifts the reading frame from glutamic acid 3505.
Molecular consequence: frameshift variant. On other transcripts: intron variant (2).
Genome position (GRCh38, 1-based): chrX:31,169,483, C duplicated on the plus strand (G on the coding strand, the reverse complement: DMD is on the minus strand); the first of 4 consecutive C bases (chrX:31,169,483-31,169,486); duplicating any one gives the same sequence. VCF-style (leftmost placement, unchanged base first): chrX-31169482-T-TC. GRCh37 (hg19) VCF-style: chrX-31187599-T-TC.
Other names: c.10489dup, p.Glu3497fs (NM_000109.4); c.10501dup, p.Glu3501fs (NM_004009.3); c.10144dup, p.Glu3382fs (NM_004010.3); c.6490dup, p.Glu2164fs (NM_004011.4); c.6481dup, p.Glu2161fs (NM_004012.4); c.3133dup, p.Glu1045fs (NM_004013.3, NM_004021.3); c.2326dup, p.Glu776fs (NM_004014.3); c.1309dup, p.Glu437fs (NM_004015.3, NM_004016.3); and 3 more; short protein forms E1032fs, E1045fs, E2161fs, E2164fs, E3382fs, E3497fs, E3501fs, E3505fs.
Identifiers: ClinVar variation 4854652 (VCV004854652.1).

ClinVar aggregate classification (germline): Likely pathogenic (1 of 4 stars; one submission).

Conditions:
DMD-related disorder. Also called: DMD-related condition.

Submission:

3billion
Classification: Likely pathogenic for DMD-related disorder. Last evaluated: 2025-08-26. Review status: criteria provided, single submitter. Criteria: ACMG Guidelines, 2015. Collection method: clinical testing. Allele origin: germline. Affected: yes.
Comment: The variant is not observed in the gnomAD v4.1.0 dataset. Predicted Consequence/Location: Frameshift: predicted to result in a loss or disruption of normal protein function through nonsense-mediated decay (NMD) or protein truncation. Multiple pathogenic variants are reported downstream of the variant. Therefore, this variant is classified as Likely pathogenic according to the recommendation of ACMG/AMP guideline.